The following is an entry in ClinVar:

ClinVar aggregate classification (germline): Benign/Likely benign. Review status: criteria provided, multiple submitters, no conflicts (2 of 4 stars). 7 submissions from 7 submitters: Benign (5); Likely benign (2). Last evaluated 2026-01-27.

Conditions:
Dejerine-Sottas disease. Also called: HMSN Type III; Hereditary motor and sensory neuropathy 3; HEREDITARY MOTOR AND SENSORY NEUROPATHY TYPE III; DEJERINE-SOTTAS NEUROPATHY; Charcot-Marie-Tooth disease type 3. Identifiers: Orphanet 64748, MedGen C0011195, MONDO:0007790, OMIM 145900.
Charcot-Marie-Tooth disease type 4F. Also called: Charcot-Marie-Tooth disease, demyelinating, type 4F. Identifiers: Orphanet 99952, MedGen C3540453, MONDO:0013959, OMIM 614895.
Charcot-Marie-Tooth disease. Also called: Charcot-Marie-Tooth Neuropathy; Charcot-Marie-Tooth Hereditary Neuropathy. Identifiers: Orphanet 166, MedGen C0007959, MONDO:0015626.
Charcot-Marie-Tooth disease type 4. Also called: Charcot-Marie-Tooth disease, type IV; Charcot-Marie-Tooth, Type 4. Identifiers: Orphanet 64749, MedGen C4082197, MONDO:0018995.
PRX-related disorder. Also called: PRX-Related Disorders; PRX-related condition.

Allele frequency attached by ClinVar (database versions not stated): ESP Exome Variant Server 0.00008; gnomAD 0.00059 and 0.00081; gnomAD exomes 0.00063 and 0.00204; TOPMed 0.00091; ExAC 0.00201; 1000 Genomes Project 30x 0.00468; 1000 Genomes Project 0.00479.
gnomAD v4.1: 1,051 of 1,613,766 alleles (0.065%); highest among the groups gnomAD compares: East Asian, 2.2%; 9 homozygotes.

Submissions (7):

Labcorp Genetics (formerly Invitae), Labcorp
Classification: Benign for Charcot-Marie-Tooth disease type 4. Last evaluated: 2026-01-27. Review status: criteria provided, single submitter. Criteria: Invitae Variant Classification Sherloc (09022015). Collection method: clinical testing. Allele origin: germline.

Mayo Clinic Laboratories, Mayo Clinic
Classification: Benign. Last evaluated: 2025-07-17. Review status: criteria provided, single submitter. Criteria: ACMG Guidelines, 2015. Collection method: clinical testing. Allele origin: germline. Observed: 2 variant alleles.

PreventionGenetics, part of Exact Sciences
Classification: Benign for PRX-related condition. Last evaluated: 2025-06-20. Review status: criteria provided, single submitter. Criteria: ACMG Guidelines, 2015. Collection method: clinical testing. Allele origin: germline.
Comment: This variant is classified as benign based on ACMG/AMP sequence variant interpretation guidelines (Richards et al. 2015 PMID: 25741868, with internal and published modifications).

Fulgent Genetics
Classification: Likely benign for Dejerine-Sottas disease; Charcot-Marie-Tooth disease type 4F. Last evaluated: 2021-08-20. Review status: criteria provided, single submitter. Criteria: ACMG Guidelines, 2015. Collection method: clinical testing. Allele origin: unknown.

GeneDx
Classification: Benign. Last evaluated: 2018-11-30. Review status: criteria provided, single submitter. Criteria: GeneDx Variant Classification Process June 2021. Collection method: clinical testing. Allele origin: germline. Affected: yes.
Comment: This variant is associated with the following publications: (PMID: 22730194, 25614874)

Illumina Laboratory Services, Illumina
Classification: Benign for Charcot-Marie-Tooth disease type 4F. Last evaluated: 2018-01-13. Review status: criteria provided, single submitter. Criteria: ICSL Variant Classification Criteria 13 December 2019. Collection method: clinical testing. Allele origin: germline.
Comment: This variant was observed in the ICSL laboratory as part of a predisposition screen in an ostensibly healthy population. It had not been previously curated by ICSL or reported in the Human Gene Mutation Database (HGMD: prior to June 1st, 2018), and was therefore a candidate for classification through an automated scoring system. Utilizing variant allele frequency, disease prevalence and penetrance estimates, and inheritance mode, an automated score was calculated to assess if this variant is too frequent to cause the disease. Based on the score and internal cut-off values, a variant classified as benign is not then subjected to further curation. The score for this variant resulted in a classification of benign for this disease.

Molecular Genetics Laboratory, London Health Sciences Centre
Classification: Likely benign for Charcot-Marie-Tooth disease. Review status: criteria provided, single submitter. Criteria: ACMG Guidelines, 2015. Collection method: clinical testing. Allele origin: germline. Affected: yes.

NM_181882.3(PRX):c.1964C>T (p.Pro655Leu)

Gene: PRX (periaxin; minus strand). Cytogenetic location: 19q13.2.
Variant type: single nucleotide variant.
Coding change: c.1964C>T on transcript NM_181882.3 (MANE Select); coding-DNA position 1964, C replaced by T.
Protein change: p.Pro655Leu; replaces proline 655 with leucine.
Molecular consequence: missense variant. On other transcripts: 3 prime UTR variant (1).
Genome position (GRCh38, 1-based): chr19:40,396,388, G>A on the plus strand (C>T on the coding strand, the complement: PRX is on the minus strand). VCF-style: chr19-40396388-G-A. GRCh37 (hg19) VCF-style: chr19-40902295-G-A.
Other names: p.Pro655Leu; c.*2169C>T (NM_020956.2); short protein forms P655L.
Identifiers: ClinVar variation 329271 (VCV000329271.22), dbSNP rs118003416, ClinGen allele CA9444159.